The following is an entry in ClinVar:

NM_001106.4(ACVR2B):c.1477C>T (p.Leu493Phe)

Gene: ACVR2B (activin A receptor type 2B; plus strand). Cytogenetic location: 3p22.2.
Variant type: single nucleotide variant.
Coding change: c.1477C>T on transcript NM_001106.4 (MANE Select); coding-DNA position 1477, C replaced by T.
Protein change: p.Leu493Phe; replaces leucine 493 with phenylalanine.
Molecular consequence: missense variant.
Genome position (GRCh38, 1-based): chr3:38,483,270, C>T. VCF-style: chr3-38483270-C-T. GRCh37 (hg19) VCF-style: chr3-38524761-C-T.
Other names: short protein forms L493F.
Identifiers: ClinVar variation 344920 (VCV000344920.21), dbSNP rs150752796, ClinGen allele CA2319091.

ClinVar aggregate classification (germline): Likely benign. Review status: criteria provided, multiple submitters, no conflicts (2 of 4 stars). 4 submissions from 4 submitters: Likely benign (4). Last evaluated 2025-05-04.

Conditions:
Heterotaxy, visceral, 4, autosomal (HTX4). Identifiers: Orphanet 450, MedGen C3151057, MONDO:0013403, OMIM 613751.

Allele frequency attached by ClinVar (database versions not stated): ExAC 0.00021; gnomAD exomes 0.00022 and 0.00053; gnomAD 0.00026; TOPMed 0.00029; ESP Exome Variant Server 0.00069.
gnomAD v4.1: 848 of 1,613,968 alleles (0.053%); highest among the groups gnomAD compares: Non-Finnish European, 0.065%; 1 homozygote.

Submissions (4):

Labcorp Genetics (formerly Invitae), Labcorp
Classification: Likely benign for Heterotaxy, visceral, 4, autosomal. Last evaluated: 2025-05-04. Review status: criteria provided, single submitter. Criteria: Invitae Variant Classification Sherloc (09022015). Collection method: clinical testing. Allele origin: germline.

CeGaT Center for Human Genetics Tuebingen
Classification: Likely benign. Last evaluated: 2025-05-01. Review status: criteria provided, single submitter. Criteria: CeGaT Center For Human Genetics Tuebingen Variant Classification Criteria Version 2. Collection method: clinical testing. Allele origin: germline. Affected: yes. Observed: 1 variant allele.
Comment: ACVR2B: BS2

Blueprint Genetics
Classification: Likely benign. Last evaluated: 2024-10-02. Review status: criteria provided, single submitter. Criteria: ACMG Guidelines, 2015. Collection method: clinical testing. Allele origin: germline.

Illumina Laboratory Services, Illumina
Classification: Likely benign for Heterotaxy, visceral, 4, autosomal. Last evaluated: 2018-01-12. Review status: criteria provided, single submitter. Criteria: ICSL Variant Classification Criteria 13 December 2019. Collection method: clinical testing. Allele origin: germline.
Comment: This variant was observed in the ICSL laboratory as part of a predisposition screen in an ostensibly healthy population. It had not been previously curated by ICSL or reported in the Human Gene Mutation Database (HGMD: prior to June 1st, 2018), and was therefore a candidate for classification through an automated scoring system. Utilizing variant allele frequency, disease prevalence and penetrance estimates, and inheritance mode, an automated score was calculated to assess if this variant is too frequent to cause the disease. Based on the score and internal cut-off values, a variant classified as likely benign is not then subjected to further curation. The score for this variant resulted in a classification of likely benign for this disease.